The following is an entry in ClinVar:

ClinVar aggregate classification (germline): Uncertain significance (1 of 4 stars; one submission).

Conditions:
Hereditary cancer-predisposing syndrome. Also called: Hereditary neoplastic syndrome; Tumor predisposition; Hereditary Cancer Syndrome; Neoplastic Syndromes, Hereditary. Identifiers: Orphanet 140162, MedGen C0027672, MeSH D009386, MONDO:0015356.

Submission:

Ambry Genetics
Classification: Uncertain significance for Hereditary cancer-predisposing syndrome. Last evaluated: 2023-06-18. Review status: criteria provided, single submitter. Criteria: Ambry Variant Classification Scheme 2023. Collection method: clinical testing. Allele origin: germline.
Comment: The p.N961K variant (also known as c.2883C>A), located in coding exon 9 of the BRCA1 gene, results from a C to A substitution at nucleotide position 2883. The asparagine at codon 961 is replaced by lysine, an amino acid with similar properties. This amino acid position is not well conserved in available vertebrate species. In addition, this alteration is predicted to be tolerated by in silico analysis. Since supporting evidence is limited at this time, the clinical significance of this alteration remains unclear.

NM_007294.4(BRCA1):c.2883C>A (p.Asn961Lys)

Gene: BRCA1 (BRCA1 DNA repair associated; minus strand). Cytogenetic location: 17q21.31.
Variant type: single nucleotide variant.
Coding change: c.2883C>A on transcript NM_007294.4 (MANE Select); coding-DNA position 2883, C replaced by A.
Protein change: p.Asn961Lys; replaces asparagine 961 with lysine.
Molecular consequence: missense variant. On other transcripts: intron variant (137).
Genome position (GRCh38, 1-based): chr17:43,092,648, G>T on the plus strand (C>A on the coding strand, the complement: BRCA1 is on the minus strand). VCF-style: chr17-43092648-G-T. GRCh37 (hg19) VCF-style: chr17-41244665-G-T.
Other names: c.2670C>A, p.Asn890Lys (NM_001407571.1, NM_001407853.1, NM_001407894.1 and 9 more transcripts); c.2883C>A, p.Asn961Lys (NM_001407581.1, NM_001407582.1, NM_001407583.1 and 30 more transcripts); c.2880C>A, p.Asn960Lys (NM_001407587.1, NM_001407590.1, NM_001407591.1 and 22 more transcripts); c.2874C>A, p.Asn958Lys (NM_001407646.1, NM_001407647.1); c.785-1616C>A (NM_001407991.1, NM_001408407.1, NM_001408402.1 and 13 more transcripts); c.2760C>A, p.Asn920Lys (NM_001407648.1, NM_001407664.1, NM_001407665.1 and 19 more transcripts); c.665-1616C>A (NM_001408427.1, NM_001408443.1, NM_001408439.1 and 12 more transcripts); c.2757C>A, p.Asn919Lys (NM_001407649.1, NM_001407670.1, NM_001407671.1 and 11 more transcripts); and 41 more; short protein forms N893K, N913K, N934K, N665K, N833K, N834K, N894K, N958K.
Identifiers: ClinVar variation 2585819 (VCV002585819.2), dbSNP rs201190540, ClinGen allele CA10596223.
Genomic context (GRCh38, chr17:43,092,648, plus strand): 5'-TGGTATACGATATGGGTTTTGTAAAAGTCCATGTTTATTTGGAGTAATGAGTCCAGTTTC[G>T]TTGCCTCTGAACTGAGATGATAGACAAAACCTAGAGCCTCCTTTGATACTACATTTGGCA-3'
Protein context (NP_009225.1, residues 951-971): RFCLSSQFRG[Asn961Lys]ETGLITPNKH